The following is an entry in ClinVar:

NM_004415.4(DSP):c.7868T>G (p.Phe2623Cys)

Gene: DSP (desmoplakin; plus strand). Cytogenetic location: 6p24.3.
Variant type: single nucleotide variant.
Coding change: c.7868T>G on transcript NM_004415.4 (MANE Select); coding-DNA position 7868, T replaced by G.
Protein change: p.Phe2623Cys; replaces phenylalanine 2623 with cysteine.
Molecular consequence: missense variant.
Genome position (GRCh38, 1-based): chr6:7,585,130, T>G. VCF-style: chr6-7585130-T-G. GRCh37 (hg19) VCF-style: chr6-7585363-T-G.
Other names: c.6071T>G, p.Phe2024Cys (NM_001008844.3); c.6539T>G, p.Phe2180Cys (NM_001319034.2); short protein forms F2024C, F2623C, F2180C.
Identifiers: ClinVar variation 2057771 (VCV002057771.4), dbSNP rs2533948300, ClinGen allele CA362693952.

ClinVar aggregate classification (germline): Uncertain significance (1 of 4 stars; one submission).

Conditions:
Arrhythmogenic cardiomyopathy with wooly hair and keratoderma. Also called: Arrhythmogenic cardiomyopathy with woolly hair and keratoderma; PALMOPLANTAR KERATODERMA WITH LEFT VENTRICULAR CARDIOMYOPATHY AND WOOLLY HAIR; Carvajal syndrome; Dilated cardiomyopathy with woolly hair and keratoderma. Identifiers: Orphanet 65282, MedGen C1854063, MONDO:0011581, OMIM 605676.
Arrhythmogenic right ventricular dysplasia 8 (ARVD8). Also called: ARRHYTHMOGENIC RIGHT VENTRICULAR DYSPLASIA, FAMILIAL, 8; ARRHYTHMOGENIC RIGHT VENTRICULAR CARDIOMYOPATHY 8; Arrhythmogenic Right Ventricular Dysplasia/Cardiomyopathy 8. Identifiers: MedGen C1843896, MONDO:0011831, OMIM 607450.

Submission:

Labcorp Genetics (formerly Invitae), Labcorp
Classification: Uncertain significance for Arrhythmogenic cardiomyopathy with wooly hair and keratoderma; Arrhythmogenic right ventricular dysplasia 8. Last evaluated: 2022-02-01. Review status: criteria provided, single submitter. Criteria: Invitae Variant Classification Sherloc (09022015). Collection method: clinical testing. Allele origin: germline.
Comment: In summary, the available evidence is currently insufficient to determine the role of this variant in disease. Therefore, it has been classified as a Variant of Uncertain Significance. Algorithms developed to predict the effect of missense changes on protein structure and function (SIFT, PolyPhen-2, Align-GVGD) all suggest that this variant is likely to be disruptive. This variant has not been reported in the literature in individuals affected with DSP-related conditions. This variant is not present in population databases (gnomAD no frequency). This sequence change replaces phenylalanine, which is neutral and non-polar, with cysteine, which is neutral and slightly polar, at codon 2623 of the DSP protein (p.Phe2623Cys).